The following is an entry in ClinVar:

NM_006662.3(SRCAP):c.1141C>T (p.Pro381Ser)

Gene: SRCAP (Snf2 related CREBBP activator protein; plus strand). Cytogenetic location: 16p11.2.
Variant type: single nucleotide variant.
Coding change: c.1141C>T on transcript NM_006662.3 (MANE Select); coding-DNA position 1141, C replaced by T.
Protein change: p.Pro381Ser; replaces proline 381 with serine.
Molecular consequence: missense variant.
Genome position (GRCh38, 1-based): chr16:30,710,760, C>T. VCF-style: chr16-30710760-C-T. GRCh37 (hg19) VCF-style: chr16-30722081-C-T.
Other names: short protein forms P381S.
Identifiers: ClinVar variation 3700920 (VCV003700920.2).

ClinVar aggregate classification (germline): Uncertain significance (1 of 4 stars; one submission).

gnomAD v4.1: 1 of 1,614,170 alleles (0.000062%); highest among the groups gnomAD compares: Non-Finnish European, 0.000085%; no homozygotes.

Submission:

Labcorp Genetics (formerly Invitae), Labcorp
Classification: Uncertain significance. Last evaluated: 2025-04-23. Review status: criteria provided, single submitter. Criteria: Invitae Variant Classification Sherloc (09022015). Collection method: clinical testing. Allele origin: germline.
Comment: This sequence change replaces proline, which is neutral and non-polar, with serine, which is neutral and polar, at codon 381 of the SRCAP protein (p.Pro381Ser). This variant is not present in population databases (gnomAD no frequency). This variant has not been reported in the literature in individuals affected with SRCAP-related conditions. ClinVar contains an entry for this variant (Variation ID: 3700920). Invitae Evidence Modeling of protein sequence and biophysical properties (such as structural, functional, and spatial information, amino acid conservation, physicochemical variation, residue mobility, and thermodynamic stability) indicates that this missense variant is not expected to disrupt SRCAP protein function with a negative predictive value of 80%. In summary, the available evidence is currently insufficient to determine the role of this variant in disease. Therefore, it has been classified as a Variant of Uncertain Significance.